The following is an entry in ClinVar:

NM_000747.3(CHRNB1):c.1096G>A (p.Glu366Lys)

Gene: CHRNB1 (cholinergic receptor nicotinic beta 1 subunit; plus strand). Cytogenetic location: 17p13.1.
Variant type: single nucleotide variant.
Coding change: c.1096G>A on transcript NM_000747.3 (MANE Select); coding-DNA position 1096, G replaced by A.
Protein change: p.Glu366Lys; replaces glutamic acid 366 with lysine.
Molecular consequence: missense variant.
Genome position (GRCh38, 1-based): chr17:7,455,335, G>A. VCF-style: chr17-7455335-G-A. GRCh37 (hg19) VCF-style: chr17-7358654-G-A.
Other names: short protein forms E366K.
Identifiers: ClinVar variation 1918280 (VCV001918280.5), dbSNP rs1277653074, ClinGen allele CA397800576.

ClinVar aggregate classification (germline): Uncertain significance (1 of 4 stars; one submission).

Conditions:
Congenital myasthenic syndrome 2A. Also called: Myasthenic syndrome, congenital, 2a, slow-channel. Identifiers: Orphanet 590, MedGen C4225374, MONDO:0014581, OMIM 616313.

Allele frequency attached by ClinVar (database versions not stated): TOPMed below 0.00001.
gnomAD v4.1: 1 of 1,614,090 alleles (0.000062%); highest among the groups gnomAD compares: Non-Finnish European, 0.000085%; no homozygotes.

Submission:

Labcorp Genetics (formerly Invitae), Labcorp
Classification: Uncertain significance for Congenital myasthenic syndrome 2A. Last evaluated: 2022-07-15. Review status: criteria provided, single submitter. Criteria: Invitae Variant Classification Sherloc (09022015). Collection method: clinical testing. Allele origin: germline.
Comment: In summary, the available evidence is currently insufficient to determine the role of this variant in disease. Therefore, it has been classified as a Variant of Uncertain Significance. Advanced modeling of protein sequence and biophysical properties (such as structural, functional, and spatial information, amino acid conservation, physicochemical variation, residue mobility, and thermodynamic stability) performed at Invitae indicates that this missense variant is not expected to disrupt CHRNB1 protein function. This sequence change replaces glutamic acid, which is acidic and polar, with lysine, which is basic and polar, at codon 366 of the CHRNB1 protein (p.Glu366Lys). This variant is present in population databases (no rsID available, gnomAD 0.0009%). This variant has not been reported in the literature in individuals affected with CHRNB1-related conditions.